The following is an entry in ClinVar:

ClinVar aggregate classification (germline): Uncertain significance (1 of 4 stars; one submission).

Conditions:
Cardiovascular phenotype. Identifiers: MedGen CN230736.

Allele frequency attached by ClinVar (database versions not stated): gnomAD 0.00001.
gnomAD v4.1: 1 of 1,614,040 alleles (0.000062%); highest among the groups gnomAD compares: African/African-American, 0.0013%; no homozygotes.

Submission:

Ambry Genetics
Classification: Uncertain significance for Cardiovascular phenotype. Last evaluated: 2024-02-09. Review status: criteria provided, single submitter. Criteria: Ambry Variant Classification Scheme 2023. Collection method: clinical testing. Allele origin: germline.
Comment: The p.M899I variant (also known as c.2697G>A), located in coding exon 18 of the VCL gene, results from a G to A substitution at nucleotide position 2697. The methionine at codon 899 is replaced by isoleucine, an amino acid with highly similar properties. This amino acid position is conserved. In addition, the in silico prediction for this alteration is inconclusive. Based on the available evidence, the clinical significance of this alteration remains unclear.

NM_014000.3(VCL):c.2697G>A (p.Met899Ile)

Gene: VCL (vinculin; plus strand). Cytogenetic location: 10q22.2.
Variant type: single nucleotide variant.
Coding change: c.2697G>A on transcript NM_014000.3 (MANE Select); coding-DNA position 2697, G replaced by A.
Protein change: p.Met899Ile; replaces methionine 899 with isoleucine.
Molecular consequence: missense variant.
Genome position (GRCh38, 1-based): chr10:74,109,108, G>A. VCF-style: chr10-74109108-G-A. GRCh37 (hg19) VCF-style: chr10-75868866-G-A.
Other names: c.2697G>A, p.Met899Ile (NM_003373.4); short protein forms M899I.
Identifiers: ClinVar variation 3226294 (VCV003226294.1), dbSNP rs771337725, ClinGen allele CA377264392.